The following is an entry in ClinVar:

ClinVar aggregate classification (germline): Uncertain significance (1 of 4 stars; one submission).

Conditions:
Arrhythmogenic right ventricular dysplasia 8 (ARVD8). Also called: Arrhythmogenic Right Ventricular Dysplasia/Cardiomyopathy 8; ARRHYTHMOGENIC RIGHT VENTRICULAR DYSPLASIA, FAMILIAL, 8; ARRHYTHMOGENIC RIGHT VENTRICULAR CARDIOMYOPATHY 8. Identifiers: MedGen C1843896, MONDO:0011831, OMIM 607450.
Arrhythmogenic cardiomyopathy with wooly hair and keratoderma. Also called: PALMOPLANTAR KERATODERMA WITH LEFT VENTRICULAR CARDIOMYOPATHY AND WOOLLY HAIR; Carvajal syndrome; Dilated cardiomyopathy with woolly hair and keratoderma; Arrhythmogenic cardiomyopathy with woolly hair and keratoderma. Identifiers: Orphanet 65282, MedGen C1854063, MONDO:0011581, OMIM 605676.

gnomAD v4.1: 1 of 1,614,160 alleles (0.000062%); highest among the groups gnomAD compares: South Asian, 0.0011%; no homozygotes.

Submission:

Labcorp Genetics (formerly Invitae), Labcorp
Classification: Uncertain significance for Arrhythmogenic cardiomyopathy with wooly hair and keratoderma; Arrhythmogenic right ventricular dysplasia 8. Last evaluated: 2025-01-23. Review status: criteria provided, single submitter. Criteria: Invitae Variant Classification Sherloc (09022015). Collection method: clinical testing. Allele origin: germline.
Comment: This sequence change replaces valine, which is neutral and non-polar, with phenylalanine, which is neutral and non-polar, at codon 2467 of the DSP protein (p.Val2467Phe). This variant is not present in population databases (gnomAD no frequency). This variant has not been reported in the literature in individuals affected with DSP-related conditions. An algorithm developed to predict the effect of missense changes on protein structure and function (PolyPhen-2) suggests that this variant is likely to be disruptive. In summary, the available evidence is currently insufficient to determine the role of this variant in disease. Therefore, it has been classified as a Variant of Uncertain Significance.

NM_004415.4(DSP):c.7399G>T (p.Val2467Phe)

Gene: DSP (desmoplakin; plus strand). Cytogenetic location: 6p24.3.
Variant type: single nucleotide variant.
Coding change: c.7399G>T on transcript NM_004415.4 (MANE Select); coding-DNA position 7399, G replaced by T.
Protein change: p.Val2467Phe; replaces valine 2467 with phenylalanine.
Molecular consequence: missense variant.
Genome position (GRCh38, 1-based): chr6:7,584,661, G>T. VCF-style: chr6-7584661-G-T. GRCh37 (hg19) VCF-style: chr6-7584894-G-T.
Other names: c.5602G>T, p.Val1868Phe (NM_001008844.3); c.6070G>T, p.Val2024Phe (NM_001319034.2); short protein forms V1868F, V2024F, V2467F.
Identifiers: ClinVar variation 3751189 (VCV003751189.2).